The following is an entry in ClinVar:

ClinVar aggregate classification (germline): Uncertain significance (1 of 4 stars; one submission).

Allele frequency attached by ClinVar (database versions not stated): ExAC 0.00001; gnomAD 0.00001; gnomAD exomes 0.00001; TOPMed 0.00002.
gnomAD v4.1: 22 of 1,613,880 alleles (0.0014%); highest among the groups gnomAD compares: East Asian, 0.049%; no homozygotes.

Submission:

Labcorp Genetics (formerly Invitae), Labcorp
Classification: Uncertain significance. Last evaluated: 2023-03-07. Review status: criteria provided, single submitter. Criteria: Invitae Variant Classification Sherloc (09022015). Collection method: clinical testing. Allele origin: germline.
Comment: In summary, the available evidence is currently insufficient to determine the role of this variant in disease. Therefore, it has been classified as a Variant of Uncertain Significance. Advanced modeling of protein sequence and biophysical properties (such as structural, functional, and spatial information, amino acid conservation, physicochemical variation, residue mobility, and thermodynamic stability) performed at Invitae indicates that this missense variant is not expected to disrupt CHD8 protein function. This variant has not been reported in the literature in individuals affected with CHD8-related conditions. This variant is present in population databases (rs754027111, gnomAD 0.02%). This sequence change replaces serine, which is neutral and polar, with glycine, which is neutral and non-polar, at codon 2220 of the CHD8 protein (p.Ser2220Gly).

NM_001170629.2(CHD8):c.6658A>G (p.Ser2220Gly)

Gene: CHD8 (chromodomain helicase DNA binding protein 8; minus strand). Cytogenetic location: 14q11.2.
Variant type: single nucleotide variant.
Coding change: c.6658A>G on transcript NM_001170629.2 (MANE Select); coding-DNA position 6658, A replaced by G.
Protein change: p.Ser2220Gly; replaces serine 2220 with glycine.
Molecular consequence: missense variant.
Genome position (GRCh38, 1-based): chr14:21,392,620, T>C on the plus strand (A>G on the coding strand, the complement: CHD8 is on the minus strand). VCF-style: chr14-21392620-T-C. GRCh37 (hg19) VCF-style: chr14-21860779-T-C.
Other names: c.5821A>G, p.Ser1941Gly (NM_020920.4); short protein forms S1941G, S2220G.
Identifiers: ClinVar variation 2899078 (VCV002899078.3), dbSNP rs754027111, ClinGen allele CA7090738.